The following is an entry in ClinVar:

NM_198253.3(TERT):c.1483A>G (p.Ile495Val)

Gene: TERT (telomerase reverse transcriptase; minus strand). Cytogenetic location: 5p15.33.
Variant type: single nucleotide variant.
Coding change: c.1483A>G on transcript NM_198253.3 (MANE Select); coding-DNA position 1483, A replaced by G.
Protein change: p.Ile495Val; replaces isoleucine 495 with valine.
Molecular consequence: missense variant. On other transcripts: non-coding transcript variant (2).
Genome position (GRCh38, 1-based): chr5:1,293,403, T>C on the plus strand (A>G on the coding strand, the complement: TERT is on the minus strand). VCF-style: chr5-1293403-T-C. GRCh37 (hg19) VCF-style: chr5-1293518-T-C.
Other names: c.1483A>G, p.Ile495Val (NM_001193376.3); short protein forms I495V.
Identifiers: ClinVar variation 3805736 (VCV003805736.2).
Genomic context (GRCh38, chr5:1,293,403, plus strand): 5'-GCACGCTCATCTTCCACGTCAGCTCCTGCAGCGAGAGCTTGGCATGCTTCCCCAGGGAGA[T>C]GAACTTCTTGGTGTTCCTGAGGAAGCGGCGTTCGTTGTGCCTGGAGCCCCAGAGGCCTGG-3'
Protein context (NP_937983.2, residues 485-505): RRFLRNTKKF[Ile495Val]SLGKHAKLSL

ClinVar aggregate classification (germline): Uncertain significance. Review status: criteria provided, multiple submitters, no conflicts (2 of 4 stars). 2 submissions from 2 submitters: Uncertain significance (2). Last evaluated 2025-08-14.

Conditions:
Dyskeratosis congenita. Identifiers: Orphanet 1775, MedGen C0265965, MONDO:0015780.
Idiopathic Pulmonary Fibrosis. Also called: Idiopathic fibrosing alveolitis, chronic form; idiopathic fibrosing alveolitis. Identifiers: Orphanet 2032, MedGen C1800706, MeSH D054990, MONDO:0800504.
Dyskeratosis congenita, autosomal dominant 2. Identifiers: MedGen C3151443, MONDO:0013521, OMIM 613989.

gnomAD v4.1: 2 of 1,613,276 alleles (0.00012%); highest among the groups gnomAD compares: Non-Finnish European, 0.00017%; no homozygotes.

Submissions (2):

Labcorp Genetics (formerly Invitae), Labcorp
Classification: Uncertain significance for Dyskeratosis congenita, autosomal dominant 2; Idiopathic Pulmonary Fibrosis. Last evaluated: 2025-08-14. Review status: criteria provided, single submitter. Criteria: Invitae Variant Classification Sherloc (09022015). Collection method: clinical testing. Allele origin: germline.
Comment: This sequence change replaces isoleucine, which is neutral and non-polar, with valine, which is neutral and non-polar, at codon 495 of the TERT protein (p.Ile495Val). This variant is not present in population databases (gnomAD no frequency). This variant has not been reported in the literature in individuals affected with TERT-related conditions. ClinVar contains an entry for this variant (Variation ID: 3805736). Invitae Evidence Modeling of protein sequence and biophysical properties (such as structural, functional, and spatial information, amino acid conservation, physicochemical variation, residue mobility, and thermodynamic stability) indicates that this missense variant is not expected to disrupt TERT protein function with a negative predictive value of 95%. In summary, the available evidence is currently insufficient to determine the role of this variant in disease. Therefore, it has been classified as a Variant of Uncertain Significance.

Ambry Genetics
Classification: Uncertain significance for Dyskeratosis congenita. Last evaluated: 2024-12-15. Review status: criteria provided, single submitter. Criteria: Ambry Variant Classification Scheme 2023. Collection method: clinical testing. Allele origin: germline.
Comment: The p.I495V variant (also known as c.1483A>G), located in coding exon 2 of the TERT gene, results from an A to G substitution at nucleotide position 1483. The isoleucine at codon 495 is replaced by valine, an amino acid with highly similar properties. This amino acid position is conserved. In addition, this alteration is predicted to be tolerated by in silico analysis. Based on the available evidence, the clinical significance of this variant remains unclear.